The following is an entry in ClinVar:

NM_004168.4(SDHA):c.572G>A (p.Cys191Tyr)

Gene: SDHA (succinate dehydrogenase complex flavoprotein subunit A; plus strand). Cytogenetic location: 5p15.33.
Variant type: single nucleotide variant.
Coding change: c.572G>A on transcript NM_004168.4 (MANE Select); coding-DNA position 572, G replaced by A.
Protein change: p.Cys191Tyr; replaces cysteine 191 with tyrosine.
Molecular consequence: missense variant.
Genome position (GRCh38, 1-based): chr5:225,998, G>A. VCF-style: chr5-225998-G-A. GRCh37 (hg19) VCF-style: chr5-226113-G-A.
Other names: c.428G>A, p.Cys143Tyr (NM_001294332.2); c.572G>A, p.Cys191Tyr (NM_001330758.2); c.572G>A (NM_004168.2); short protein forms C143Y, C191Y.
Identifiers: ClinVar variation 1036813 (VCV001036813.8), dbSNP rs1393298155, ClinGen allele CA359010505.
Genomic context (GRCh38, chr5:225,998, plus strand): 5'-GTGCATTTGGTGGACAGAGCCTCAAGTTTGGAAAGGGCGGGCAGGCCCATCGGTGCTGCT[G>A]TGTGGCTGATCGGACTGGCCACTCGCTATTGCACACCTTATATGGAAGGGTAAGGCCGCC-3'
Protein context (NP_004159.2, residues 181-201): GKGGQAHRCC[Cys191Tyr]VADRTGHSLL

ClinVar aggregate classification (germline): Uncertain significance. Review status: criteria provided, multiple submitters, no conflicts (2 of 4 stars). 2 submissions from 2 submitters: Uncertain significance (2). Last evaluated 2022-12-22.

Conditions:
Hereditary cancer-predisposing syndrome. Also called: Tumor predisposition; Hereditary neoplastic syndrome; Neoplastic Syndromes, Hereditary; Hereditary Cancer Syndrome. Identifiers: Orphanet 140162, MedGen C0027672, MeSH D009386, MONDO:0015356.
Mitochondrial complex II deficiency, nuclear type 1. Also called: SUCCINATE CoQ REDUCTASE DEFICIENCY. Identifiers: Orphanet 3208, MedGen C5700310, MONDO:0100294, OMIM 252011.
Pheochromocytoma/paraganglioma syndrome 5. Also called: Paragangliomas 5; SDHA-Related Hereditary Paraganglioma-Pheochromocytoma Syndrome. Identifiers: Orphanet 29072, MedGen C3279992, MONDO:0013602, OMIM 614165.

Allele frequency attached by ClinVar (database versions not stated): gnomAD 0.00001; gnomAD exomes 0.00001; TOPMed 0.00002.
gnomAD v4.1: 4 of 1,614,096 alleles (0.00025%); highest among the groups gnomAD compares: Admixed American, 0.0067%; no homozygotes.

Submissions (2):

Ambry Genetics
Classification: Uncertain significance for Hereditary cancer-predisposing syndrome. Last evaluated: 2022-12-22. Review status: criteria provided, single submitter. Criteria: Ambry Variant Classification Scheme 2023. Collection method: clinical testing. Allele origin: germline.
Comment: The p.C191Y variant (also known as c.572G>A), located in coding exon 5 of the SDHA gene, results from a G to A substitution at nucleotide position 572. The cysteine at codon 191 is replaced by tyrosine, an amino acid with highly dissimilar properties. This amino acid position is highly conserved in available vertebrate species. In addition, this alteration is predicted to be deleterious by in silico analysis. Since supporting evidence is limited at this time, the clinical significance of this alteration remains unclear.

Labcorp Genetics (formerly Invitae), Labcorp
Classification: Uncertain significance for Pheochromocytoma/paraganglioma syndrome 5; Mitochondrial complex II deficiency, nuclear type 1. Last evaluated: 2022-04-01. Review status: criteria provided, single submitter. Criteria: Invitae Variant Classification Sherloc (09022015). Collection method: clinical testing. Allele origin: germline.
Comment: In summary, the available evidence is currently insufficient to determine the role of this variant in disease. Therefore, it has been classified as a Variant of Uncertain Significance. Advanced modeling of protein sequence and biophysical properties (such as structural, functional, and spatial information, amino acid conservation, physicochemical variation, residue mobility, and thermodynamic stability) performed at Invitae indicates that this missense variant is not expected to disrupt SDHA protein function. ClinVar contains an entry for this variant (Variation ID: 1036813). This variant has not been reported in the literature in individuals affected with SDHA-related conditions. This variant is present in population databases (no rsID available, gnomAD 0.006%). This sequence change replaces cysteine, which is neutral and slightly polar, with tyrosine, which is neutral and polar, at codon 191 of the SDHA protein (p.Cys191Tyr).